The following is an entry in ClinVar:

ClinVar aggregate classification (germline): Pathogenic (1 of 4 stars; one submission).

Conditions:
Fanconi anemia (FA). Also called: Fanconi's anemia. Identifiers: Orphanet 84, MedGen C0015625, MeSH D005199, MONDO:0019391.

Submission:

Labcorp Genetics (formerly Invitae), Labcorp
Classification: Pathogenic for Fanconi anemia. Last evaluated: 2022-02-08. Review status: criteria provided, single submitter. Criteria: Invitae Variant Classification Sherloc (09022015). Collection method: clinical testing. Allele origin: germline.
Comment: This sequence change creates a premature translational stop signal (p.Gly1371Trpfs*54) in the FANCA gene. While this is not anticipated to result in nonsense mediated decay, it is expected to disrupt the last 85 amino acid(s) of the FANCA protein. This variant is not present in population databases (gnomAD no frequency). This variant has not been reported in the literature in individuals affected with FANCA-related conditions. This variant disrupts a region of the FANCA protein in which other variant(s) (p.Asp1427Thrfs*6) have been determined to be pathogenic (PMID: 11091222; Invitae). This suggests that this is a clinically significant region of the protein, and that variants that disrupt it are likely to be disease-causing. For these reasons, this variant has been classified as Pathogenic.

Literature cited by the submitters: PubMed 11091222.

NM_000135.4(FANCA):c.4110dup (p.Gly1371fs)

Genes: FANCA (FA complementation group A; minus strand), ZNF276 (zinc finger protein 276; plus strand). Cytogenetic location: 16q24.3.
Variant type: Duplication.
Coding change: c.4110dup on transcript NM_000135.4 (MANE Select); coding-DNA position 4110, one base duplicated (T; older notation c.4110dupT).
Protein change: p.Gly1371fs; shifts the reading frame from glycine 1371.
Molecular consequence: frameshift variant. On other transcripts: 3 prime UTR variant (2), non-coding transcript variant (4).
Genome position (GRCh38, 1-based): chr16:89,739,190, A duplicated on the plus strand (T on the coding strand, the reverse complement: FANCA is on the minus strand). VCF-style (leftmost placement, unchanged base first): chr16-89739189-C-CA. GRCh37 (hg19) VCF-style: chr16-89805597-C-CA.
Other names: c.4110dup, p.Gly1371fs (NM_001286167.3); c.*944dup (NM_001113525.2, NM_152287.4); short protein forms G1371fs.
Identifiers: ClinVar variation 2095178 (VCV002095178.4), dbSNP rs2544079280, ClinGen allele CA2580092422.